The following is an entry in ClinVar:

NM_004924.6(ACTN4):c.1007G>A (p.Arg336His)

Gene: ACTN4 (actinin alpha 4; plus strand). Cytogenetic location: 19q13.2.
Variant type: single nucleotide variant.
Coding change: c.1007G>A on transcript NM_004924.6 (MANE Select); coding-DNA position 1007, G replaced by A.
Protein change: p.Arg336His; replaces arginine 336 with histidine.
Molecular consequence: missense variant.
Genome position (GRCh38, 1-based): chr19:38,717,180, G>A. VCF-style: chr19-38717180-G-A. GRCh37 (hg19) VCF-style: chr19-39207820-G-A.
Other names: c.1007G>A, p.Arg336His (NM_001322033.2, NM_001411143.1); short protein forms R336H.
Identifiers: ClinVar variation 3349479 (VCV003349479.1).

ClinVar aggregate classification (germline): Uncertain significance (0 of 4 stars; one submission).

Conditions:
ACTN4-related disorder. Also called: ACTN4-related condition.

Submission:

PreventionGenetics, part of Exact Sciences
Classification: Uncertain significance for ACTN4-related condition. Last evaluated: 2024-07-30. Review status: no assertion criteria provided. Collection method: clinical testing. Allele origin: germline.
Comment: The ACTN4 c.1007G>A variant is predicted to result in the amino acid substitution p.Arg336His. To our knowledge, this variant has not been reported in the literature or in a large population database, indicating this variant is rare. At this time, the clinical significance of this variant is uncertain due to the absence of conclusive functional and genetic evidence.